The following is an entry in ClinVar:

ClinVar aggregate classification (germline): Likely benign. Review status: criteria provided, multiple submitters, no conflicts (2 of 4 stars). 3 submissions from 3 submitters: Likely benign (3). Last evaluated 2025-08-05.

Conditions:
Familial cancer of breast. Also called: BREAST CANCER, FAMILIAL; Hereditary breast cancer; hereditary breast carcinoma. Identifiers: Orphanet 227535, MedGen C0346153, MONDO:0016419, OMIM 114480. Disease mechanism: loss of function.
Fanconi anemia complementation group J. Also called: BRIP1-Related Fanconi Anemia. Identifiers: Orphanet 84, MedGen C1836860, MONDO:0012187, OMIM 609054.

Allele frequency attached by ClinVar (database versions not stated): TOPMed below 0.00001.

Submissions (3):

Labcorp Genetics (formerly Invitae), Labcorp
Classification: Likely benign for Familial cancer of breast; Fanconi anemia complementation group J. Last evaluated: 2025-08-05. Review status: criteria provided, single submitter. Criteria: Invitae Variant Classification Sherloc (09022015). Collection method: clinical testing. Allele origin: germline.

Myriad Genetics, Inc.
Classification: Likely benign for Familial cancer of breast. Last evaluated: 2024-08-28. Review status: criteria provided, single submitter. Criteria: Myriad Autosomal Dominant, Autosomal Recessive and X-Linked Classification Criteria (2023). Collection method: clinical testing. Allele origin: unknown.
Comment: This variant is considered likely benign. This variant is intronic and is not expected to impact mRNA splicing.

GeneDx
Classification: Likely benign. Last evaluated: 2017-08-10. Review status: criteria provided, single submitter. Criteria: GeneDx Variant Classification (06012015). Collection method: clinical testing. Allele origin: germline. Affected: yes.
Comment: This variant is considered likely benign or benign based on one or more of the following criteria: it is a conservative change, it occurs at a poorly conserved position in the protein, it is predicted to be benign by multiple in silico algorithms, and/or has population frequency not consistent with disease.

NM_032043.3(BRIP1):c.1474-17A>T

Gene: BRIP1 (BRCA1 interacting DNA helicase 1; minus strand). Cytogenetic location: 17q23.2.
Variant type: single nucleotide variant.
Coding change: c.1474-17A>T on transcript NM_032043.3 (MANE Select); 17 bases into the intron before coding-DNA position 1474, A replaced by T.
Molecular consequence: intron variant.
Genome position (GRCh38, 1-based): chr17:61,784,441, T>A on the plus strand (A>T on the coding strand, the complement: BRIP1 is on the minus strand). VCF-style: chr17-61784441-T-A. GRCh37 (hg19) VCF-style: chr17-59861802-T-A.
Identifiers: ClinVar variation 511447 (VCV000511447.10), dbSNP rs762049694, ClinGen allele CA658798940.